The following is an entry in ClinVar:

NM_001458.5(FLNC):c.7903G>A (p.Ala2635Thr)

Genes: FLNC (filamin C; plus strand), FLNC-AS1 (FLNC antisense RNA 1; minus strand). Cytogenetic location: 7q32.1.
Variant type: single nucleotide variant.
Coding change: c.7903G>A on transcript NM_001458.5 (MANE Select); coding-DNA position 7903, G replaced by A.
Protein change: p.Ala2635Thr; replaces alanine 2635 with threonine.
Molecular consequence: missense variant.
Genome position (GRCh38, 1-based): chr7:128,858,130, G>A. VCF-style: chr7-128858130-G-A. GRCh37 (hg19) VCF-style: chr7-128498184-G-A.
Other names: c.7804G>A, p.Ala2602Thr (NM_001127487.2); short protein forms A2602T, A2635T.
Identifiers: ClinVar variation 639773 (VCV000639773.10), dbSNP rs1009545372, ClinGen allele CA166196140.

ClinVar aggregate classification (germline): Uncertain significance. Review status: criteria provided, multiple submitters, no conflicts (2 of 4 stars). 2 submissions from 2 submitters: Uncertain significance (2). Last evaluated 2025-04-30.

Conditions:
Cardiovascular phenotype. Identifiers: MedGen CN230736.
Myofibrillar myopathy 5. Also called: FILAMINOPATHY, AUTOSOMAL DOMINANT; Filaminopathy (type). Identifiers: Orphanet 171445, MedGen C1836050, MONDO:0012289, OMIM 609524.
Distal myopathy with posterior leg and anterior hand involvement. Also called: WILLIAMS DISTAL MYOPATHY. Identifiers: Orphanet 63273, MedGen C3279722, MONDO:0013550, OMIM 614065.
Hypertrophic cardiomyopathy 26. Also called: Cardiomyopathy, familial hypertrophic, 26. Identifiers: Orphanet 75249, MedGen C4310749, MONDO:0014883, OMIM 617047.

Allele frequency attached by ClinVar (database versions not stated): gnomAD 0.00001; TOPMed 0.00001.
gnomAD v4.1: 1 of 1,613,032 alleles (0.000062%); highest among the groups gnomAD compares: African/African-American, 0.0013%; no homozygotes.

Submissions (2):

Ambry Genetics
Classification: Uncertain significance for Cardiovascular phenotype. Last evaluated: 2025-04-30. Review status: criteria provided, single submitter. Criteria: Ambry Variant Classification Scheme 2023. Collection method: clinical testing. Allele origin: germline.
Comment: The p.A2635T variant (also known as c.7903G>A), located in coding exon 47 of the FLNC gene, results from a G to A substitution at nucleotide position 7903. The alanine at codon 2635 is replaced by threonine, an amino acid with similar properties. This amino acid position is conserved. In addition, this alteration is predicted to be deleterious by in silico analysis. Based on the available evidence, the clinical significance of this variant remains unclear.

Labcorp Genetics (formerly Invitae), Labcorp
Classification: Uncertain significance for Distal myopathy with posterior leg and anterior hand involvement; Myofibrillar myopathy 5; Hypertrophic cardiomyopathy 26. Last evaluated: 2025-04-24. Review status: criteria provided, single submitter. Criteria: Invitae Variant Classification Sherloc (09022015). Collection method: clinical testing. Allele origin: germline.
Comment: This sequence change replaces alanine, which is neutral and non-polar, with threonine, which is neutral and polar, at codon 2635 of the FLNC protein (p.Ala2635Thr). This variant is not present in population databases (gnomAD no frequency). This missense change has been observed in individual(s) with hypertrophic cardiomyopathy (internal data). ClinVar contains an entry for this variant (Variation ID: 639773). Invitae Evidence Modeling of protein sequence and biophysical properties (such as structural, functional, and spatial information, amino acid conservation, physicochemical variation, residue mobility, and thermodynamic stability) indicates that this missense variant is not expected to disrupt FLNC protein function with a negative predictive value of 95%. In summary, the available evidence is currently insufficient to determine the role of this variant in disease. Therefore, it has been classified as a Variant of Uncertain Significance.